The following is an entry in ClinVar:

ClinVar aggregate classification (germline): Uncertain significance (1 of 4 stars; one submission).

Allele frequency attached by ClinVar (database versions not stated): gnomAD 0.00001; TOPMed 0.00001.
gnomAD v4.1: 10 of 1,606,482 alleles (0.00062%); highest among the groups gnomAD compares: South Asian, 0.0033%; no homozygotes.

Submission:

Labcorp Genetics (formerly Invitae), Labcorp
Classification: Uncertain significance. Last evaluated: 2022-08-12. Review status: criteria provided, single submitter. Criteria: Invitae Variant Classification Sherloc (09022015). Collection method: clinical testing. Allele origin: germline.
Comment: This variant has not been reported in the literature in individuals affected with IARS2-related conditions. In summary, the available evidence is currently insufficient to determine the role of this variant in disease. Therefore, it has been classified as a Variant of Uncertain Significance. Algorithms developed to predict the effect of missense changes on protein structure and function are either unavailable or do not agree on the potential impact of this missense change (SIFT: "Tolerated"; PolyPhen-2: "Possibly Damaging"; Align-GVGD: "Class C0"). This variant is not present in population databases (gnomAD no frequency). This sequence change replaces glutamic acid, which is acidic and polar, with aspartic acid, which is acidic and polar, at codon 179 of the IARS2 protein (p.Glu179Asp).

NM_018060.4(IARS2):c.537A>C (p.Glu179Asp)

Gene: IARS2 (isoleucyl-tRNA synthetase 2, mitochondrial; plus strand). Cytogenetic location: 1q41.
Variant type: single nucleotide variant.
Coding change: c.537A>C on transcript NM_018060.4 (MANE Select); coding-DNA position 537, A replaced by C.
Protein change: p.Glu179Asp; replaces glutamic acid 179 with aspartic acid.
Molecular consequence: missense variant.
Genome position (GRCh38, 1-based): chr1:220,100,636, A>C. VCF-style: chr1-220100636-A-C. GRCh37 (hg19) VCF-style: chr1-220273978-A-C.
Other names: short protein forms E179D.
Identifiers: ClinVar variation 1908593 (VCV001908593.5), dbSNP rs1374893539, ClinGen allele CA344624440.
Genomic context (GRCh38, chr1:220,100,636, plus strand): 5'-CATTGAAATAAAAGTATTATCAGAACTTGGTAGAGAAGCTCAGAATCTTTCAGCTATGGA[A>C]ATTAGAAAGAAAGGTAAATAATCTGTATTTCTGTTTTAAAATGATATTTGTAAACACTCA-3'
Protein context (NP_060530.3, residues 169-189): GREAQNLSAM[Glu179Asp]IRKKARSFAK